The following is an entry in ClinVar:

NM_005121.3(MED13):c.5772TAT[1] (p.Ile1925del)

Gene: MED13 (mediator complex subunit 13; minus strand). Cytogenetic location: 17q23.2.
Variant type: Microsatellite.
Coding change: c.5772TAT[1] on transcript NM_005121.3 (MANE Select); one copy of the 3-base unit TAT starting at c.5772; the reference has two copies in a row; one copy, 3 bases deleted; also written c.5775_5777del.
Protein change: p.Ile1925del; deletes isoleucine 1925.
Molecular consequence: inframe deletion.
Genome position (GRCh38, 1-based): chr17:61,955,685-61,955,687, ATA deleted on the plus strand (TAT on the coding strand, the reverse complement: MED13 is on the minus strand); deleting any 3 consecutive bases within chr17:61,955,685-61,955,691 gives the same sequence; the position shown is the placement nearest the transcript's 3' end. VCF-style (leftmost placement, unchanged base first): chr17-61955684-CATA-C. GRCh37 (hg19) VCF-style: chr17-60033045-CATA-C.
Other names: c.5775_5777delTAT (NM_005121.2); c.5775_5777del (NM_005121.2); short protein forms I1925del.
Identifiers: ClinVar variation 2232956 (VCV002232956.3), dbSNP rs2509213764, ClinGen allele CA2580613205.

ClinVar aggregate classification (germline): Uncertain significance. Review status: criteria provided, multiple submitters, no conflicts (2 of 4 stars). 2 submissions from 2 submitters: Uncertain significance (2). Last evaluated 2022-10-07.

Conditions:
Inborn genetic diseases. Identifiers: MedGen C0950123, MeSH D030342.

Submissions (2):

GeneDx
Classification: Uncertain significance. Last evaluated: 2022-10-07. Review status: criteria provided, single submitter. Criteria: GeneDx Variant Classification Process June 2021. Collection method: clinical testing. Allele origin: germline. Affected: yes.
Comment: Not observed at significant frequency in large population cohorts (gnomAD); In-frame deletion of 1 amino acid in a non-repeat region; Has not been previously published as pathogenic or benign to our knowledge

Ambry Genetics
Classification: Uncertain significance for Inborn genetic diseases. Last evaluated: 2021-07-29. Review status: criteria provided, single submitter. Criteria: Ambry Variant Classification Scheme 2023. Collection method: clinical testing. Allele origin: germline.
Comment: The c.5775_5777delTAT (p.I1925del) alteration is located in exon 25 (coding exon 25) of the MED13 gene. This alteration consists of an in-frame deletion of 3 nucleotides between nucleotide positions c.5775 and c.5777, resulting in the deletion of 1 residue. Based on insufficient or conflicting evidence, the clinical significance of this alteration remains unclear.